The following is an entry in ClinVar:

NM_033109.5(PNPT1):c.887A>G (p.Tyr296Cys)

Gene: PNPT1 (polyribonucleotide nucleotidyltransferase 1; minus strand). Cytogenetic location: 2p16.1.
Variant type: single nucleotide variant.
Coding change: c.887A>G on transcript NM_033109.5 (MANE Select); coding-DNA position 887, A replaced by G.
Protein change: p.Tyr296Cys; replaces tyrosine 296 with cysteine.
Molecular consequence: missense variant.
Genome position (GRCh38, 1-based): chr2:55,672,026, T>C on the plus strand (A>G on the coding strand, the complement: PNPT1 is on the minus strand). VCF-style: chr2-55672026-T-C. GRCh37 (hg19) VCF-style: chr2-55899161-T-C.
Other names: c.887A>G (NM_033109.3); short protein forms Y296C.
Identifiers: ClinVar variation 1360322 (VCV001360322.5), dbSNP rs137893343, ClinGen allele CA324589.

ClinVar aggregate classification (germline): Uncertain significance. Review status: criteria provided, multiple submitters, no conflicts (2 of 4 stars). 2 submissions from 2 submitters: Uncertain significance (2). Last evaluated 2025-01-09.

Conditions:
Inborn genetic diseases. Identifiers: MedGen C0950123, MeSH D030342.

Allele frequency attached by ClinVar (database versions not stated): gnomAD exomes 0.00002 and 0.00005; ExAC 0.00008; gnomAD 0.00022 and 0.00026; TOPMed 0.00026; ESP Exome Variant Server 0.00031.
gnomAD v4.1: 68 of 1,603,022 alleles (0.0042%); highest among the groups gnomAD compares: African/African-American, 0.077%; no homozygotes.

Submissions (2):

Ambry Genetics
Classification: Uncertain significance for Inborn genetic diseases. Last evaluated: 2025-01-09. Review status: criteria provided, single submitter. Criteria: Ambry Variant Classification Scheme 2023. Collection method: clinical testing. Allele origin: germline.

Labcorp Genetics (formerly Invitae), Labcorp
Classification: Uncertain significance. Last evaluated: 2024-12-02. Review status: criteria provided, single submitter. Criteria: Invitae Variant Classification Sherloc (09022015). Collection method: clinical testing. Allele origin: germline.
Comment: This sequence change replaces tyrosine, which is neutral and polar, with cysteine, which is neutral and slightly polar, at codon 296 of the PNPT1 protein (p.Tyr296Cys). This variant is present in population databases (rs137893343, gnomAD 0.08%). This variant has not been reported in the literature in individuals affected with PNPT1-related conditions. ClinVar contains an entry for this variant (Variation ID: 1360322). Invitae Evidence Modeling of protein sequence and biophysical properties (such as structural, functional, and spatial information, amino acid conservation, physicochemical variation, residue mobility, and thermodynamic stability) indicates that this missense variant is not expected to disrupt PNPT1 protein function with a negative predictive value of 80%. In summary, the available evidence is currently insufficient to determine the role of this variant in disease. Therefore, it has been classified as a Variant of Uncertain Significance.